The following is an entry in ClinVar:

NM_000138.5(FBN1):c.3616G>C (p.Gly1206Arg)

Gene: FBN1 (fibrillin 1; minus strand). Cytogenetic location: 15q21.1.
Variant type: single nucleotide variant.
Coding change: c.3616G>C on transcript NM_000138.5 (MANE Select); coding-DNA position 3616, G replaced by C.
Protein change: p.Gly1206Arg; replaces glycine 1206 with arginine.
Molecular consequence: missense variant.
Genome position (GRCh38, 1-based): chr15:48,485,470, C>G on the plus strand (G>C on the coding strand, the complement: FBN1 is on the minus strand). VCF-style: chr15-48485470-C-G. GRCh37 (hg19) VCF-style: chr15-48777667-C-G.
Other names: short protein forms G1206R.
Identifiers: ClinVar variation 457198 (VCV000457198.8), dbSNP rs1555398411, ClinGen allele CA392324626.

ClinVar aggregate classification (germline): Pathogenic (1 of 4 stars; one submission).

Conditions:
Marfan syndrome (MFS). Also called: MARFAN SYNDROME, TYPE I; FBN1-Related Marfan Syndrome; Marfan syndrome type 1; Marfan's syndrome; Marfan syndrome, classic. Identifiers: Orphanet 284963, Orphanet 558, MedGen C0024796, MONDO:0007947, OMIM 154700.
Familial thoracic aortic aneurysm and aortic dissection (TAAD). Also called: Thoracic aortic aneurysms and dissections. Identifiers: Orphanet 91387, MedGen C4707243, MONDO:0019625.

Submission:

Labcorp Genetics (formerly Invitae), Labcorp
Classification: Pathogenic for Marfan syndrome; Familial thoracic aortic aneurysm and aortic dissection. Last evaluated: 2025-01-20. Review status: criteria provided, single submitter. Criteria: Invitae Variant Classification Sherloc (09022015). Collection method: clinical testing. Allele origin: germline.
Comment: This sequence change replaces glycine, which is neutral and non-polar, with arginine, which is basic and polar, at codon 1206 of the FBN1 protein (p.Gly1206Arg). This variant is not present in population databases (gnomAD no frequency). This missense change has been observed in individual(s) with clinical features of Marfan syndrome (internal data). ClinVar contains an entry for this variant (Variation ID: 457198). Invitae Evidence Modeling of protein sequence and biophysical properties (such as structural, functional, and spatial information, amino acid conservation, physicochemical variation, residue mobility, and thermodynamic stability) indicates that this missense variant is expected to disrupt FBN1 protein function with a positive predictive value of 95%. This variant disrupts the p.Gly1206 amino acid residue in FBN1. Other variant(s) that disrupt this residue have been determined to be pathogenic (internal data). This suggests that this residue is clinically significant, and that variants that disrupt this residue are likely to be disease-causing. For these reasons, this variant has been classified as Pathogenic.